The following is an entry in ClinVar:

ClinVar aggregate classification (germline): Uncertain significance (1 of 4 stars; one submission).

Conditions:
Alagille syndrome due to a JAG1 point mutation. Also called: Alagille Syndrome 1; HEPATIC DUCTULAR HYPOPLASIA, SYNDROMATIC; JAG1-Related Alagille Syndrome. Identifiers: Orphanet 261619, Orphanet 52, MedGen C1956125, MONDO:0016862, OMIM 118450.

Submission:

Labcorp Genetics (formerly Invitae), Labcorp
Classification: Uncertain significance for Alagille syndrome due to a JAG1 point mutation. Last evaluated: 2024-11-11. Review status: criteria provided, single submitter. Criteria: Invitae Variant Classification Sherloc (09022015). Collection method: clinical testing. Allele origin: germline.
Comment: This sequence change replaces tyrosine, which is neutral and polar, with aspartic acid, which is acidic and polar, at codon 528 of the JAG1 protein (p.Tyr528Asp). This variant is not present in population databases (gnomAD no frequency). This variant has not been reported in the literature in individuals affected with JAG1-related conditions. ClinVar contains an entry for this variant (Variation ID: 1405122). Invitae Evidence Modeling of protein sequence and biophysical properties (such as structural, functional, and spatial information, amino acid conservation, physicochemical variation, residue mobility, and thermodynamic stability) has been performed for this missense variant. However, the output from this modeling did not meet the statistical confidence thresholds required to predict the impact of this variant on JAG1 protein function. In summary, the available evidence is currently insufficient to determine the role of this variant in disease. Therefore, it has been classified as a Variant of Uncertain Significance.

NM_000214.3(JAG1):c.1582T>G (p.Tyr528Asp)

Gene: JAG1 (jagged canonical Notch ligand 1; minus strand). Cytogenetic location: 20p12.2.
Variant type: single nucleotide variant.
Coding change: c.1582T>G on transcript NM_000214.3 (MANE Select); coding-DNA position 1582, T replaced by G.
Protein change: p.Tyr528Asp; replaces tyrosine 528 with aspartic acid.
Molecular consequence: missense variant.
Genome position (GRCh38, 1-based): chr20:10,648,098, A>C on the plus strand (T>G on the coding strand, the complement: JAG1 is on the minus strand). VCF-style: chr20-10648098-A-C. GRCh37 (hg19) VCF-style: chr20-10628746-A-C.
Other names: short protein forms Y528D.
Identifiers: ClinVar variation 1405122 (VCV001405122.8), dbSNP rs2122607889, ClinGen allele CA408237046.
Genomic context (GRCh38, chr20:10,648,098, plus strand): 5'-AATAGTCACTGGCACGGTTGTAGCACTGGGCACCGTTCTGGCAGGGATTAGGCTCACAAT[A>C]ATCGATGTCCAGCTGCAAATATCAGGAACAGCGAAAAGGGGGAGGGATCAGAGTAAAACA-3'
Protein context (NP_000205.1, residues 518-538): SGNLCQLDID[Tyr528Asp]CEPNPCQNGA